The following is an entry in ClinVar:

NM_003482.4(KMT2D):c.13200C>A (p.Asp4400Glu)

Gene: KMT2D (lysine methyltransferase 2D; minus strand). Cytogenetic location: 12q13.12.
Variant type: single nucleotide variant.
Coding change: c.13200C>A on transcript NM_003482.4 (MANE Select); coding-DNA position 13200, C replaced by A.
Protein change: p.Asp4400Glu; replaces aspartic acid 4400 with glutamic acid.
Molecular consequence: missense variant.
Genome position (GRCh38, 1-based): chr12:49,031,505, G>T on the plus strand (C>A on the coding strand, the complement: KMT2D is on the minus strand). VCF-style: chr12-49031505-G-T. GRCh37 (hg19) VCF-style: chr12-49425288-G-T.
Other names: short protein forms D4400E.
Identifiers: ClinVar variation 2095343 (VCV002095343.4), dbSNP rs2120420774, ClinGen allele CA384706893.

ClinVar aggregate classification (germline): Uncertain significance (1 of 4 stars; one submission).

Conditions:
Kabuki syndrome. Also called: Kabuki make-up syndrome; NIIKAWA-KUROKI SYNDROME. Identifiers: Orphanet 2322, MedGen C0796004, MONDO:0016512.

Submission:

Labcorp Genetics (formerly Invitae), Labcorp
Classification: Uncertain significance for Kabuki syndrome. Last evaluated: 2022-02-28. Review status: criteria provided, single submitter. Criteria: Invitae Variant Classification Sherloc (09022015). Collection method: clinical testing. Allele origin: germline.
Comment: In summary, the available evidence is currently insufficient to determine the role of this variant in disease. Therefore, it has been classified as a Variant of Uncertain Significance. Advanced modeling of protein sequence and biophysical properties (such as structural, functional, and spatial information, amino acid conservation, physicochemical variation, residue mobility, and thermodynamic stability) performed at Invitae indicates that this missense variant is not expected to disrupt KMT2D protein function. This variant has not been reported in the literature in individuals affected with KMT2D-related conditions. This variant is not present in population databases (gnomAD no frequency). This sequence change replaces aspartic acid, which is acidic and polar, with glutamic acid, which is acidic and polar, at codon 4400 of the KMT2D protein (p.Asp4400Glu).